The following is an entry in ClinVar:

ClinVar aggregate classification (germline): Uncertain significance (1 of 4 stars; one submission).

gnomAD v4.1: 9 of 1,614,086 alleles (0.00056%); highest among the groups gnomAD compares: Non-Finnish European, 0.00076%; no homozygotes.

Submission:

Mayo Clinic Laboratories, Mayo Clinic
Classification: Uncertain significance. Last evaluated: 2024-05-21. Review status: criteria provided, single submitter. Criteria: ACMG Guidelines, 2015. Collection method: clinical testing. Allele origin: germline. Observed: 1 variant allele.
Comment: BP4, PM2

NM_004618.5(TOP3A):c.2434A>G (p.Thr812Ala)

Gene: TOP3A (DNA topoisomerase III alpha; minus strand). Cytogenetic location: 17p11.2.
Variant type: single nucleotide variant.
Coding change: c.2434A>G on transcript NM_004618.5 (MANE Select); coding-DNA position 2434, A replaced by G.
Protein change: p.Thr812Ala; replaces threonine 812 with alanine.
Molecular consequence: missense variant.
Genome position (GRCh38, 1-based): chr17:18,278,068, T>C on the plus strand (A>G on the coding strand, the complement: TOP3A is on the minus strand). VCF-style: chr17-18278068-T-C. GRCh37 (hg19) VCF-style: chr17-18181382-T-C.
Other names: p.Thr812Ala; c.2149A>G, p.Thr717Ala (NM_001320759.2); short protein forms T717A, T812A.
Identifiers: ClinVar variation 3380475 (VCV003380475.1).
Genomic context (GRCh38, chr17:18,278,068, plus strand): 5'-CCCGGTTGGGGCCCTCCTTACGGACAGTGAGCAGCACAGCCTCCTGGCCACAGTTGCAGG[T>C]CACAGAATTGCTTTCACCAGCAGCCGTGGGTGGTGGGAGGGTCTGGGCCAGAGCCTTTGA-3'
Protein context (NP_004609.1, residues 802-822): PTAAGESNSV[Thr812Ala]CNCGQEAVLL